The following is an entry in ClinVar:

NM_001127898.4(CLCN5):c.946G>T (p.Ala316Ser)

Gene: CLCN5 (chloride voltage-gated channel 5; plus strand). Cytogenetic location: Xp11.23.
Variant type: single nucleotide variant.
Coding change: c.946G>T on transcript NM_001127898.4 (MANE Select); coding-DNA position 946, G replaced by T.
Protein change: p.Ala316Ser; replaces alanine 316 with serine.
Molecular consequence: missense variant.
Genome position (GRCh38, 1-based): chrX:50,085,992, G>T. VCF-style: chrX-50085992-G-T. GRCh37 (hg19) VCF-style: chrX-49850649-G-T.
Other names: c.736G>T, p.Ala246Ser (NM_000084.5); c.946G>T, p.Ala316Ser (NM_001127899.4); c.796G>T, p.Ala266Ser (NM_001282163.2); short protein forms A316S, A246S, A266S.
Identifiers: ClinVar variation 3652149 (VCV003652149.3).

ClinVar aggregate classification (germline): Uncertain significance (1 of 4 stars; one submission).

Submissions (2):

Labcorp Genetics (formerly Invitae), Labcorp
Classification: Uncertain significance. Last evaluated: 2024-05-04. Review status: criteria provided, single submitter. Criteria: Invitae Variant Classification Sherloc (09022015). Collection method: clinical testing. Allele origin: germline.
Comment: This sequence change replaces alanine, which is neutral and non-polar, with serine, which is neutral and polar, at codon 246 of the CLCN5 protein (p.Ala246Ser). This variant is not present in population databases (gnomAD no frequency). This variant has not been reported in the literature in individuals affected with CLCN5-related conditions. An algorithm developed to predict the effect of missense changes on protein structure and function (PolyPhen-2) suggests that this variant is likely to be disruptive. In summary, the available evidence is currently insufficient to determine the role of this variant in disease. Therefore, it has been classified as a Variant of Uncertain Significance.

Dr. Peter K. Rogan Lab, Western University
No classification provided (evidence only). Condition: Thyroid cancer, nonmedullary, 1. Review status: no classification provided. Collection method: in vitro. Allele origin: not applicable. Functional consequence: retained intron. Not counted in ClinVar's aggregate classification.